The following is an entry in ClinVar:

ClinVar aggregate classification (germline): Uncertain significance (1 of 4 stars; one submission).

Submission:

Ambry Genetics
Classification: Uncertain significance. Last evaluated: 2023-02-23. Review status: criteria provided, single submitter. Criteria: Ambry Variant Classification Scheme 2023. Collection method: clinical testing. Allele origin: germline.
Comment: The p.N3311Y variant (also known as c.9931A>T), located in coding exon 71 of the PRKDC gene, results from an A to T substitution at nucleotide position 9931. The asparagine at codon 3311 is replaced by tyrosine, an amino acid with dissimilar properties. This amino acid position is conserved. In addition, this alteration is predicted to be tolerated by in silico analysis. Since supporting evidence is limited at this time, the clinical significance of this alteration remains unclear.

NM_006904.7(PRKDC):c.9931A>T (p.Asn3311Tyr)

Gene: PRKDC (protein kinase, DNA-activated, catalytic subunit; minus strand). Cytogenetic location: 8q11.21.
Variant type: single nucleotide variant.
Coding change: c.9931A>T on transcript NM_006904.7 (MANE Select); coding-DNA position 9931, A replaced by T.
Protein change: p.Asn3311Tyr; replaces asparagine 3311 with tyrosine.
Molecular consequence: missense variant.
Genome position (GRCh38, 1-based): chr8:47,800,978, T>A on the plus strand (A>T on the coding strand, the complement: PRKDC is on the minus strand). VCF-style: chr8-47800978-T-A. GRCh37 (hg19) VCF-style: chr8-48713539-T-A.
Other names: c.9931A>T, p.Asn3311Tyr (NM_001081640.2); short protein forms N3311Y.
Identifiers: ClinVar variation 2449888 (VCV002449888.2), dbSNP rs1393248610, ClinGen allele CA371135951.
Genomic context (GRCh38, chr8:47,800,978, plus strand): 5'-CCAAGAGAATGTTCTGGTCACGGAAAGCCAGAATATTTTTGCTTAAGTAGCTTGACACGT[T>A]GTTCTCATCTGTTGGATTAAAAAAACAAAACAAAACAAAATTTTGTATGTGTGTGTGGAA-3'
Protein context (NP_008835.5, residues 3301-3321): LKTVSLLDEN[Asn3311Tyr]VSSYLSKNIL